The following is an entry in ClinVar:

ClinVar aggregate classification (germline): Uncertain significance (1 of 4 stars; one submission).

Conditions:
RYR1-related disorder. Also called: RYR1-related condition; RYR1-related disorders. Identifiers: MedGen CN239331.

Submission:

Labcorp Genetics (formerly Invitae), Labcorp
Classification: Uncertain significance for RYR1-related disorder. Last evaluated: 2024-09-15. Review status: criteria provided, single submitter. Criteria: Invitae Variant Classification Sherloc (09022015). Collection method: clinical testing. Allele origin: germline.
Comment: This sequence change replaces methionine, which is neutral and non-polar, with lysine, which is basic and polar, at codon 3335 of the RYR1 protein (p.Met3335Lys). Information on the frequency of this variant in the gnomAD database is not available, as this variant may be reported differently in the database. This variant has not been reported in the literature in individuals affected with RYR1-related conditions. An algorithm developed to predict the effect of missense changes on protein structure and function (PolyPhen-2) suggests that this variant is likely to be tolerated. In summary, the available evidence is currently insufficient to determine the role of this variant in disease. Therefore, it has been classified as a Variant of Uncertain Significance.

NM_000540.3(RYR1):c.10004_10005delinsAA (p.Met3335Lys)

Gene: RYR1 (ryanodine receptor 1; plus strand). Cytogenetic location: 19q13.2.
Variant type: Indel.
Coding change: c.10004_10005delinsAA on transcript NM_000540.3 (MANE Select); coding-DNA positions 10004 to 10005, TG replaced by AA.
Protein change: p.Met3335Lys; replaces methionine 3335 with lysine.
Molecular consequence: missense variant.
Genome position (GRCh38, 1-based): chr19:38,517,677-38,517,678, TG replaced by AA. VCF-style: chr19-38517677-TG-AA. GRCh37 (hg19) VCF-style: chr19-39008317-TG-AA.
Other names: c.10004_10005delinsAA, p.Met3335Lys (NM_001042723.2); short protein forms M3335K.
Identifiers: ClinVar variation 3663773 (VCV003663773.2).
Genomic context (GRCh38, chr19:38,517,677, plus strand): 5'-TGCTGGGGAATATCCTGAGAATCATCGTCAACAACCTGGGCATTGACGAGGCCTCCTGGA[TG>AA]AAGCGGCTGGCTGGTGGGTCGGGGGGCACTGGGCCTCTGAGGGGTGGGTCAGCAGCCTGG-3'
Protein context (NP_000531.2, residues 3325-3345): NNLGIDEASW[Met3335Lys]KRLAVFAQPI